The following is an entry in ClinVar:

ClinVar aggregate classification (germline): Uncertain significance (1 of 4 stars; one submission).

Allele frequency attached by ClinVar (database versions not stated): gnomAD exomes below 0.00001.
gnomAD v4.1: 1 of 1,606,870 alleles (0.000062%); highest among the groups gnomAD compares: Non-Finnish European, 0.000085%; no homozygotes.

Submission:

Labcorp Genetics (formerly Invitae), Labcorp
Classification: Uncertain significance. Last evaluated: 2022-07-15. Review status: criteria provided, single submitter. Criteria: Invitae Variant Classification Sherloc (09022015). Collection method: clinical testing. Allele origin: germline.
Comment: Algorithms developed to predict the effect of missense changes on protein structure and function are either unavailable or do not agree on the potential impact of this missense change (SIFT: "Tolerated"; PolyPhen-2: "Possibly Damaging"; Align-GVGD: "Class C0"). This variant has not been reported in the literature in individuals affected with DYNC2LI1-related conditions. This variant is not present in population databases (gnomAD no frequency). This sequence change replaces aspartic acid, which is acidic and polar, with glycine, which is neutral and non-polar, at codon 276 of the DYNC2LI1 protein (p.Asp276Gly). In summary, the available evidence is currently insufficient to determine the role of this variant in disease. Therefore, it has been classified as a Variant of Uncertain Significance.

NM_016008.4(DYNC2LI1):c.827A>G (p.Asp276Gly)

Gene: DYNC2LI1 (dynein cytoplasmic 2 light intermediate chain 1; plus strand). Cytogenetic location: 2p21.
Variant type: single nucleotide variant.
Coding change: c.827A>G on transcript NM_016008.4 (MANE Select); coding-DNA position 827, A replaced by G.
Protein change: p.Asp276Gly; replaces aspartic acid 276 with glycine.
Molecular consequence: missense variant.
Genome position (GRCh38, 1-based): chr2:43,804,666, A>G. VCF-style: chr2-43804666-A-G. GRCh37 (hg19) VCF-style: chr2-44031805-A-G.
Other names: c.830A>G, p.Asp277Gly (NM_001193464.2, NM_001348913.2); c.827A>G, p.Asp276Gly (NM_001348912.2); short protein forms D276G, D277G.
Identifiers: ClinVar variation 2045347 (VCV002045347.4), dbSNP rs547830293, ClinGen allele CA346660836.